The following is an entry in ClinVar:

ClinVar aggregate classification (germline): Benign/Likely benign. Review status: criteria provided, multiple submitters, no conflicts (2 of 4 stars). 4 submissions from 4 submitters: Benign (1); Likely benign (2). 1 of the submissions does not count toward it. Last evaluated 2025-12-17.

Conditions:
OTOG-related disorder. Also called: OTOG-related condition.

Allele frequency attached by ClinVar (database versions not stated): ExAC 0.00013; gnomAD exomes 0.00022 and 0.00041; 1000 Genomes Project 0.00140; 1000 Genomes Project 30x 0.00172; gnomAD 0.00203 and 0.00223; TOPMed 0.00234.
gnomAD v4.1: 622 of 1,550,440 alleles (0.04%); highest among the groups gnomAD compares: African/African-American, 0.79%; 7 homozygotes.

Submissions (4):

Labcorp Genetics (formerly Invitae), Labcorp
Classification: Benign. Last evaluated: 2025-12-17. Review status: criteria provided, single submitter. Criteria: Invitae Variant Classification Sherloc (09022015). Collection method: clinical testing. Allele origin: germline.

Blueprint Genetics
Classification: Likely benign. Last evaluated: 2024-05-09. Review status: criteria provided, single submitter. Criteria: ACMG Guidelines, 2015. Collection method: clinical testing. Allele origin: germline.

GeneDx
Classification: Likely benign. Last evaluated: 2020-11-23. Review status: criteria provided, single submitter. Criteria: GeneDx Variant Classification Process June 2021. Collection method: clinical testing. Allele origin: germline. Affected: yes.

PreventionGenetics, part of Exact Sciences
Classification: Benign for OTOG-related condition. Last evaluated: 2019-11-11. Review status: no assertion criteria provided. Collection method: clinical testing. Allele origin: germline. Not counted in ClinVar's aggregate classification.
Comment: This variant is classified as benign based on ACMG/AMP sequence variant interpretation guidelines (Richards et al. 2015 PMID: 25741868, with internal and published modifications).

NM_001292063.2(OTOG):c.5694A>G (p.Val1898=)

Gene: OTOG (otogelin; plus strand). Cytogenetic location: 11p15.1.
Variant type: single nucleotide variant.
Coding change: c.5694A>G on transcript NM_001292063.2 (MANE Select); coding-DNA position 5694, A replaced by G.
Protein change: p.Val1898=; no amino-acid change (valine 1898 retained).
Molecular consequence: synonymous variant.
Genome position (GRCh38, 1-based): chr11:17,610,994, A>G. VCF-style: chr11-17610994-A-G. GRCh37 (hg19) VCF-style: chr11-17632541-A-G.
Other names: c.5730A>G, p.Val1910= (NM_001277269.2).
Identifiers: ClinVar variation 723486 (VCV000723486.14), dbSNP rs573436885, ClinGen allele CA5905947.